The following is an entry in ClinVar:

ClinVar aggregate classification (germline): Likely pathogenic. Review status: reviewed by expert panel (3 of 4 stars). 7 submissions from 5 submitters: Likely pathogenic (1). 6 of the submissions do not count toward it. Last evaluated 2026-01-20.

Conditions:
Macrothrombocytopenia. Identifiers: MedGen C2751260, HP:0040185.
Bernard-Soulier syndrome, type B. Identifiers: MedGen C1856447.
Bernard Soulier syndrome (BSS). Also called: VON WILLEBRAND FACTOR RECEPTOR DEFICIENCY; BLEEDING DISORDER, PLATELET-TYPE, 1; PLATELET GLYCOPROTEIN Ib DEFICIENCY; Giant platelet syndrome; Hemorrhagiparous thrombocytic dystrophy; Giant platelet disease. Identifiers: Orphanet 274, MedGen C0005129, MeSH D001606, MONDO:0009276, OMIM 231200.
Increased mean platelet volume. Identifiers: MedGen C1096367, HP:0011877.
Thrombocytopenia. Identifiers: MedGen C0040034, MeSH D013921, MONDO:0002049, HP:0001873.

gnomAD v4.1: 29 of 1,532,470 alleles (0.0019%); highest among the groups gnomAD compares: Non-Finnish European, 0.0025%; no homozygotes.

Submissions (7):

ClinGen Platelet Disorders Variant Curation Expert Panel, ClinGen
Classification: Likely pathogenic for Bernard Soulier syndrome. Last evaluated: 2026-01-20. Review status: reviewed by expert panel. Criteria: ClinGen Platelet ACMG Specifications GP1BB V1.0.0. Collection method: curation. Allele origin: germline. Inheritance: Autosomal recessive inheritance.
Comment: The c.137G>A (p.Trp46Ter) variant in GP1BB is a nonsense variant that may cause loss of function of the protein, however it is predicted to escape nonsense mediated decay and remove >10% of the protein (PVS1_Strong). At least one patient (Patient 1 in PMID: 10887115) with this variant had aggregation absent for ristocetin and present for all other agonists and less than 10% expression of GPIba and GP9 measured by flow cytometry, which is highly specific for Bernard-Soulier syndrome. Additionally, the patient had excessive mucocutaneous bleeding which is consistent with Bernard-Soulier syndrome (PP4). The Grpmax Filtering allele frequency in gnomAD v4.1.0 is 0.00001886 (based on 29/1146916 alleles) in the European (non-Finnish) population, which is lower than the ClinGen PD VCEP threshold (<0.00006517; PM2_Supporting). In summary, this variant meets the criteria to be classified as Likely Pathogenic for autosomal recessive Bernard-Soulier syndrome based on the ACMG/AMP criteria applied, as specified by the ClinGen PD VCEP: PVS1_Strong, PP4, PM3_Supporting and PM2_Supporting (VCEP specifications version 1).

Mayo Clinic Laboratories, Mayo Clinic
Classification: Likely pathogenic. Last evaluated: 2024-12-23. Review status: criteria provided, single submitter. Criteria: ACMG Guidelines, 2015. Collection method: clinical testing. Allele origin: germline. Observed: 1 variant allele. Not counted in ClinVar's aggregate classification.
Comment: PP1, PM2_supporting, PVS1_strong

NIHR Bioresource Rare Diseases, University of Cambridge
Classification: Likely pathogenic for Thrombocytopenia. Last evaluated: 2019-02-01. Review status: criteria provided, single submitter. Criteria: ACMG Guidelines, 2015. Collection method: research. Allele origin: unknown. Affected: yes. Observed: 1 heterozygote. Study: ThromboGenomics. Not counted in ClinVar's aggregate classification.

ISTH-SSC Genomics in Thrombosis and Hemostasis, KU Leuven, Center for Molecular and Vascular Biology
Classification: Likely pathogenic for Bernard Soulier syndrome. Review status: criteria provided, single submitter. Criteria: ACMG Guidelines, 2015. Collection method: clinical testing. Allele origin: unknown. Affected: yes. Observed: 3 heterozygotes. Not counted in ClinVar's aggregate classification.
Comment: GoldVariant submitters: Dr Karyn Mégy NIHR Bioresource - Cambridge University, UK and Neil Morgan Birmingham Platelet Group, Birmingham, UK

OMIM
Classification: Pathogenic for BERNARD SOULIER SYNDROME, TYPE B. Last evaluated: 2000-07-15. Review status: no assertion criteria provided. Collection method: literature only. Allele origin: germline. Not counted in ClinVar's aggregate classification.

NIHR Bioresource Rare Diseases, University of Cambridge
Classification: Likely pathogenic for Increased mean platelet volume. Review status: no assertion criteria provided. Collection method: research. Allele origin: unknown. Affected: yes. Observed: 1 variant allele. Not counted in ClinVar's aggregate classification.

NIHR Bioresource Rare Diseases, University of Cambridge
Classification: Likely pathogenic for Macrothrombocytopenia. Review status: no assertion criteria provided. Collection method: research. Allele origin: unknown. Affected: yes. Observed: 1 variant allele. Not counted in ClinVar's aggregate classification.

Literature cited by the submitters: PubMed 10887115 (cited by Mayo Clinic Laboratories, Mayo Clinic and OMIM); PubMed 23995613 (cited by Mayo Clinic Laboratories, Mayo Clinic); PubMed 24934643 (cited by Mayo Clinic Laboratories, Mayo Clinic); PubMed 25275492 (cited by Mayo Clinic Laboratories, Mayo Clinic); PubMed 28064200 (cited by Mayo Clinic Laboratories, Mayo Clinic); PubMed 31064749 (cited by Mayo Clinic Laboratories, Mayo Clinic and NIHR Bioresource Rare Diseases, University of Cambridge); PubMed 32581362 (cited by Mayo Clinic Laboratories, Mayo Clinic and NIHR Bioresource Rare Diseases, University of Cambridge); PubMed 34662886 (cited by Mayo Clinic Laboratories, Mayo Clinic); PubMed 37647632 (cited by Mayo Clinic Laboratories, Mayo Clinic); PubMed 34355501 (cited by ISTH-SSC Genomics in Thrombosis and Hemostasis, KU Leuven, Center for Molecular and Vascular Biology).

NM_000407.5(GP1BB):c.137G>A (p.Trp46Ter)

Genes: GP1BB (glycoprotein Ib platelet subunit beta; plus strand), SEPT5-GP1BB (SEPT5-GP1BB readthrough; plus strand). Cytogenetic location: 22q11.21.
Variant type: single nucleotide variant.
Coding change: c.137G>A on transcript NM_000407.5 (MANE Select); coding-DNA position 137, G replaced by A.
Protein change: p.Trp46Ter; replaces tryptophan 46 with a stop codon.
Molecular consequence: nonsense. On other transcripts: non-coding transcript variant (2).
Genome position (GRCh38, 1-based): chr22:19,723,980, G>A. VCF-style: chr22-19723980-G-A. GRCh37 (hg19) VCF-style: chr22-19711503-G-A.
Other names: W21*; p.Trp46*; NM_000407.5(GP1BB):c.137G>A; p.Trp46Ter; short protein forms W46*.
Identifiers: ClinVar variation 16040 (VCV000016040.9), dbSNP rs121909752, ClinGen allele CA126158.
Genomic context (GRCh38, chr22:19,723,980, plus strand): 5'-GCCCGGCGCCCTGTAGCTGCGCGGGGACGCTCGTGGACTGCGGGCGCCGCGGGCTGACTT[G>A]GGCCTCGCTGCCGACCGCCTTCCCTGTCGACACAACCGAGCTGGTGCTGACCGGCAACAA-3'